The following is an entry in ClinVar:

ClinVar aggregate classification (germline): Uncertain significance (1 of 4 stars; one submission).

Conditions:
Menkes kinky-hair syndrome (MNK). Also called: Copper transport disease; Menkes Disease; Classic Menkes Disease. Identifiers: Orphanet 565, MedGen C0022716, MONDO:0010651, OMIM 309400.
X-linked distal spinal muscular atrophy type 3. Also called: ATP7A-Related Distal Motor Neuropathy; SPINAL MUSCULAR ATROPHY, DISTAL, X-LINKED RECESSIVE; NEURONOPATHY, DISTAL HEREDITARY MOTOR, X-LINKED; NEUROPATHY, DISTAL HEREDITARY MOTOR, X-LINKED. Identifiers: Orphanet 139557, MedGen C1845359, MONDO:0010338, OMIM 300489.
Cutis laxa, X-linked (OHS). Also called: EDS IX; Occipital horn syndrome. Identifiers: Orphanet 198, MedGen C0268353, MONDO:0010572, OMIM 304150.

Allele frequency attached by ClinVar (database versions not stated): TOPMed 0.00001.

Submission:

Labcorp Genetics (formerly Invitae), Labcorp
Classification: Uncertain significance for X-linked distal spinal muscular atrophy type 3; Cutis laxa, X-linked; Menkes kinky-hair syndrome. Last evaluated: 2021-12-19. Review status: criteria provided, single submitter. Criteria: Invitae Variant Classification Sherloc (09022015). Collection method: clinical testing. Allele origin: germline.
Comment: This sequence change replaces aspartic acid, which is acidic and polar, with glycine, which is neutral and non-polar, at codon 1330 of the ATP7A protein (p.Asp1330Gly). This variant is not present in population databases (gnomAD no frequency). This variant has not been reported in the literature in individuals affected with ATP7A-related conditions. Advanced modeling of protein sequence and biophysical properties (such as structural, functional, and spatial information, amino acid conservation, physicochemical variation, residue mobility, and thermodynamic stability) performed at Invitae indicates that this missense variant is expected to disrupt ATP7A protein function. Algorithms developed to predict the effect of sequence changes on RNA splicing suggest that this variant may create or strengthen a splice site. In summary, the available evidence is currently insufficient to determine the role of this variant in disease. Therefore, it has been classified as a Variant of Uncertain Significance.

NM_000052.7(ATP7A):c.3989A>G (p.Asp1330Gly)

Gene: ATP7A (ATPase copper transporting alpha; plus strand). Cytogenetic location: Xq21.1.
Variant type: single nucleotide variant.
Coding change: c.3989A>G on transcript NM_000052.7 (MANE Select); coding-DNA position 3989, A replaced by G.
Protein change: p.Asp1330Gly; replaces aspartic acid 1330 with glycine.
Molecular consequence: missense variant. On other transcripts: non-coding transcript variant (1).
Genome position (GRCh38, 1-based): chrX:78,042,772, A>G. VCF-style: chrX-78042772-A-G. GRCh37 (hg19) VCF-style: chrX-77298270-A-G.
Other names: c.3755A>G, p.Asp1252Gly (NM_001282224.2); short protein forms D1330G, D1252G.
Identifiers: ClinVar variation 2047845 (VCV002047845.4), dbSNP rs1345066409, ClinGen allele CA413605410.